The following is an entry in ClinVar:

NM_001377.3(DYNC2H1):c.9280A>C (p.Lys3094Gln)

Gene: DYNC2H1 (dynein cytoplasmic 2 heavy chain 1; plus strand). Cytogenetic location: 11q22.3.
Variant type: single nucleotide variant.
Coding change: c.9280A>C on transcript NM_001377.3 (MANE Select); coding-DNA position 9280, A replaced by C.
Protein change: p.Lys3094Gln; replaces lysine 3094 with glutamine.
Molecular consequence: missense variant.
Genome position (GRCh38, 1-based): chr11:103,223,013, A>C. VCF-style: chr11-103223013-A-C. GRCh37 (hg19) VCF-style: chr11-103093742-A-C.
Other names: c.9280A>C (NM_001080463.1); c.9280A>C, p.Lys3094Gln (NM_001080463.2); short protein forms K3094Q.
Identifiers: ClinVar variation 2158706 (VCV002158706.2), dbSNP rs1193372636, ClinGen allele CA382265137.

ClinVar aggregate classification (germline): Uncertain significance. Review status: criteria provided, multiple submitters, no conflicts (2 of 4 stars). 2 submissions from 2 submitters: Uncertain significance (2). Last evaluated 2025-12-09.

Conditions:
Inborn genetic diseases. Identifiers: MedGen C0950123, MeSH D030342.
Jeune thoracic dystrophy. Also called: Jeune syndrome; Infantile thoracic dystrophy; Thoracic pelvic phalangeal dystrophy; Jeune's syndrome; Chondroectodermal dysplasia-like syndrome; Short-rib thoracic dysplasia. Identifiers: Orphanet 474, MedGen C0265275, MONDO:0018770.

Allele frequency attached by ClinVar (database versions not stated): gnomAD 0.00002; TOPMed 0.00003.
gnomAD v4.1: 14 of 1,613,410 alleles (0.00087%); highest among the groups gnomAD compares: Admixed American, 0.022%; no homozygotes.

Submissions (2):

Ambry Genetics
Classification: Uncertain significance for Inborn genetic diseases. Last evaluated: 2025-12-09. Review status: criteria provided, single submitter. Criteria: Ambry Variant Classification Scheme 2023. Collection method: clinical testing. Allele origin: germline.

Labcorp Genetics (formerly Invitae), Labcorp
Classification: Uncertain significance for Jeune thoracic dystrophy. Last evaluated: 2022-07-05. Review status: criteria provided, single submitter. Criteria: Invitae Variant Classification Sherloc (09022015). Collection method: clinical testing. Allele origin: germline.
Comment: This sequence change replaces lysine, which is basic and polar, with glutamine, which is neutral and polar, at codon 3094 of the DYNC2H1 protein (p.Lys3094Gln). This variant is present in population databases (no rsID available, gnomAD 0.03%). This variant has not been reported in the literature in individuals affected with DYNC2H1-related conditions. Advanced modeling of protein sequence and biophysical properties (such as structural, functional, and spatial information, amino acid conservation, physicochemical variation, residue mobility, and thermodynamic stability) performed at Invitae indicates that this missense variant is not expected to disrupt DYNC2H1 protein function. In summary, the available evidence is currently insufficient to determine the role of this variant in disease. Therefore, it has been classified as a Variant of Uncertain Significance.